The following is an entry in ClinVar:

ClinVar aggregate classification (germline): Pathogenic (1 of 4 stars; one submission).

Submission:

CeGaT Center for Human Genetics Tuebingen
Classification: Pathogenic. Last evaluated: 2022-09-01. Review status: criteria provided, single submitter. Criteria: CeGaT Center For Human Genetics Tuebingen Variant Classification Criteria Version 2. Collection method: clinical testing. Allele origin: germline. Affected: yes. Observed: 1 variant allele.
Comment: EP300: PS2, PM2, PM5, PP3, PP4

NM_001429.4(EP300):c.4301A>T (p.His1434Leu)

Gene: EP300 (EP300 lysine acetyltransferase; plus strand). Cytogenetic location: 22q13.2.
Variant type: single nucleotide variant.
Coding change: c.4301A>T on transcript NM_001429.4 (MANE Select); coding-DNA position 4301, A replaced by T.
Protein change: p.His1434Leu; replaces histidine 1434 with leucine.
Molecular consequence: missense variant.
Genome position (GRCh38, 1-based): chr22:41,170,420, A>T. VCF-style: chr22-41170420-A-T. GRCh37 (hg19) VCF-style: chr22-41566424-A-T.
Other names: c.4223A>T, p.His1408Leu (NM_001362843.2); short protein forms H1408L, H1434L.
Identifiers: ClinVar variation 1711553 (VCV001711553.30), dbSNP rs2145766390, ClinGen allele CA411702052.